The following is an entry in ClinVar:

NM_000023.4(SGCA):c.1035G>A (p.Arg345=)

Gene: SGCA (sarcoglycan alpha; plus strand). Cytogenetic location: 17q21.33.
Variant type: single nucleotide variant.
Coding change: c.1035G>A on transcript NM_000023.4 (MANE Select); coding-DNA position 1035, G replaced by A.
Protein change: p.Arg345=; no amino-acid change (arginine 345 retained).
Molecular consequence: synonymous variant. On other transcripts: non-coding transcript variant (1).
Genome position (GRCh38, 1-based): chr17:50,175,308, G>A. VCF-style: chr17-50175308-G-A. GRCh37 (hg19) VCF-style: chr17-48252669-G-A.
Other names: c.663G>A, p.Arg221= (NM_001135697.3).
Identifiers: ClinVar variation 389132 (VCV000389132.12), dbSNP rs374989747, ClinGen allele CA8644070.

ClinVar aggregate classification (germline): Likely benign. Review status: criteria provided, multiple submitters, no conflicts (2 of 4 stars). 3 submissions from 3 submitters: Likely benign (3). Last evaluated 2024-03-17.

Conditions:
Autosomal recessive limb-girdle muscular dystrophy type 2D (LGMDR3). Also called: ADHALINOPATHY, PRIMARY; DUCHENNE-LIKE AUTOSOMAL RECESSIVE MUSCULAR DYSTROPHY, TYPE 2; MUSCULAR DYSTROPHY, LIMB-GIRDLE, AUTOSOMAL RECESSIVE 3. Identifiers: Orphanet 62, MedGen C2936332, MONDO:0011968, OMIM 608099. Disease mechanism: Affects gamma-sarcoglycan and also disrupts the integrity of the entire sarcoglycan complex..

Allele frequency attached by ClinVar (database versions not stated): gnomAD exomes below 0.00001 and 0.00001; gnomAD 0.00001; TOPMed 0.00001; ExAC 0.00003.
gnomAD v4.1: 8 of 1,608,674 alleles (0.0005%); highest among the groups gnomAD compares: East Asian, 0.013%; no homozygotes.

Submissions (3):

Labcorp Genetics (formerly Invitae), Labcorp
Classification: Likely benign for Autosomal recessive limb-girdle muscular dystrophy type 2D. Last evaluated: 2024-03-17. Review status: criteria provided, single submitter. Criteria: Invitae Variant Classification Sherloc (09022015). Collection method: clinical testing. Allele origin: germline.

Genome-Nilou Lab
Classification: Likely benign for Autosomal recessive limb-girdle muscular dystrophy type 2D. Last evaluated: 2023-02-08. Review status: criteria provided, single submitter. Criteria: ACMG Guidelines, 2015. Collection method: clinical testing. Allele origin: germline.

GeneDx
Classification: Likely benign. Last evaluated: 2016-09-23. Review status: criteria provided, single submitter. Criteria: GeneDx Variant Classification (06012015). Collection method: clinical testing. Allele origin: germline. Affected: yes.
Comment: This variant is considered likely benign or benign based on one or more of the following criteria: it is a conservative change, it occurs at a poorly conserved position in the protein, it is predicted to be benign by multiple in silico algorithms, and/or has population frequency not consistent with disease.